The following is an entry in ClinVar:

NM_001134831.2(AHI1):c.827C>G (p.Ser276Cys)

Gene: AHI1 (Abelson helper integration site 1; minus strand). Cytogenetic location: 6q23.3.
Variant type: single nucleotide variant.
Coding change: c.827C>G on transcript NM_001134831.2 (MANE Select); coding-DNA position 827, C replaced by G.
Protein change: p.Ser276Cys; replaces serine 276 with cysteine.
Molecular consequence: missense variant.
Genome position (GRCh38, 1-based): chr6:135,463,229, G>C on the plus strand (C>G on the coding strand, the complement: AHI1 is on the minus strand). VCF-style: chr6-135463229-G-C. GRCh37 (hg19) VCF-style: chr6-135784367-G-C.
Other names: c.827C>G, p.Ser276Cys (NM_001134830.2, NM_001134832.2, NM_001350503.2 and 2 more transcripts); short protein forms S276C.
Identifiers: ClinVar variation 843364 (VCV000843364.14), dbSNP rs190854744, ClinGen allele CA4012747.

ClinVar aggregate classification (germline): Conflicting classifications of pathogenicity. Review status: criteria provided, conflicting classifications (1 of 4 stars). 4 submissions from 4 submitters: Uncertain significance (3); Likely benign (1). Last evaluated 2026-03-11.

Conditions:
AHI1-related disorder. Also called: AHI1-related condition.
Joubert syndrome. Also called: Familial aplasia of the vermis; JOUBERT-BOLTSHAUSER SYNDROME. Identifiers: Orphanet 475, MedGen C5979921, MONDO:0018772.

Allele frequency attached by ClinVar (database versions not stated): ESP Exome Variant Server 0.00017; gnomAD exomes 0.00017 and 0.00018; ExAC 0.00018; gnomAD 0.00028 and 0.00031; TOPMed 0.00062; 1000 Genomes Project 30x 0.00094; 1000 Genomes Project 0.00100.
gnomAD v4.1: 308 of 1,609,490 alleles (0.019%); highest among the groups gnomAD compares: Admixed American, 0.082%; no homozygotes.

Submissions (4):

PreventionGenetics, part of Exact Sciences
Classification: Uncertain significance for AHI1-related condition. Last evaluated: 2026-03-11. Review status: criteria provided, single submitter. Criteria: ACMG Guidelines, 2015. Collection method: clinical testing. Allele origin: germline.
Comment: The AHI1 c.827C>G variant is predicted to result in the amino acid substitution p.Ser276Cys. To our knowledge, this variant has not been reported in the literature. This variant is reported in 0.026% of alleles in individuals of Latino descent in gnomAD. At this time, the clinical significance of this variant is uncertain due to the absence of conclusive functional and genetic evidence.

Labcorp Genetics (formerly Invitae), Labcorp
Classification: Likely benign for Joubert syndrome. Last evaluated: 2026-02-03. Review status: criteria provided, single submitter. Criteria: Invitae Variant Classification Sherloc (09022015). Collection method: clinical testing. Allele origin: germline.

Blueprint Genetics
Classification: Uncertain significance. Last evaluated: 2024-10-16. Review status: criteria provided, single submitter. Criteria: ACMG Guidelines, 2015. Collection method: clinical testing. Allele origin: germline.

GeneDx
Classification: Uncertain significance. Last evaluated: 2021-01-25. Review status: criteria provided, single submitter. Criteria: GeneDx Variant Classification Process June 2021. Collection method: clinical testing. Allele origin: germline. Affected: yes.
Comment: In silico analysis supports that this missense variant has a deleterious effect on protein structure/function; Has not been previously published as pathogenic or benign to our knowledge